The following is an entry in ClinVar:

ClinVar aggregate classification (germline): Conflicting classifications of pathogenicity. Review status: criteria provided, conflicting classifications (1 of 4 stars). 2 submissions from 2 submitters: Pathogenic (1); Uncertain significance (1). Last evaluated 2025-11-18.

Allele frequency attached by ClinVar (database versions not stated): ExAC 0.00001; gnomAD exomes 0.00002 and 0.00006; TOPMed 0.00005; gnomAD 0.00006; ESP Exome Variant Server 0.00008.

Submissions (2):

Labcorp Genetics (formerly Invitae), Labcorp
Classification: Pathogenic. Last evaluated: 2025-11-18. Review status: criteria provided, single submitter. Criteria: Invitae Variant Classification Sherloc (09022015). Collection method: clinical testing. Allele origin: germline.
Comment: This sequence change creates a premature translational stop signal (p.Trp312*) in the POP1 gene. It is expected to result in an absent or disrupted protein product. Loss-of-function variants in POP1 are known to be pathogenic (PMID: 21455487). This variant is present in population databases (rs201493204, gnomAD 0.006%). This variant has not been reported in the literature in individuals affected with POP1-related conditions. ClinVar contains an entry for this variant (Variation ID: 1433652). Algorithms developed to predict the effect of sequence changes on RNA splicing suggest that this variant may disrupt the consensus splice site. For these reasons, this variant has been classified as Pathogenic.

Blueprint Genetics
Classification: Uncertain significance. Last evaluated: 2020-11-04. Review status: criteria provided, single submitter. Criteria: ACMG Guidelines, 2015. Collection method: clinical testing. Allele origin: germline.

Literature cited by the submitters: PubMed 21455487 (cited by Labcorp Genetics (formerly Invitae), Labcorp).

NM_001145860.2(POP1):c.935G>A (p.Trp312Ter)

Gene: POP1 (POP1 ribonuclease P/MRP subunit; plus strand). Cytogenetic location: 8q22.2.
Variant type: single nucleotide variant.
Coding change: c.935G>A on transcript NM_001145860.2 (MANE Select); coding-DNA position 935, G replaced by A.
Protein change: p.Trp312Ter; replaces tryptophan 312 with a stop codon.
Molecular consequence: nonsense.
Genome position (GRCh38, 1-based): chr8:98,134,583, G>A. VCF-style: chr8-98134583-G-A. GRCh37 (hg19) VCF-style: chr8-99146811-G-A.
Other names: c.935G>A, p.Trp312Ter (NM_001145861.2, NM_015029.3); short protein forms W312*.
Identifiers: ClinVar variation 1433652 (VCV001433652.7), dbSNP rs201493204, ClinGen allele CA4820455.